The following is an entry in ClinVar:

ClinVar aggregate classification (germline): Conflicting classifications of pathogenicity. Review status: criteria provided, conflicting classifications (1 of 4 stars). 2 submissions from 2 submitters: Likely pathogenic (1); Uncertain significance (1). Last evaluated 2025-12-22.

Conditions:
Hereditary cancer-predisposing syndrome. Also called: Hereditary neoplastic syndrome; Hereditary Cancer Syndrome; Neoplastic Syndromes, Hereditary; Tumor predisposition. Identifiers: Orphanet 140162, MedGen C0027672, MeSH D009386, MONDO:0015356.
Mitochondrial complex II deficiency, nuclear type 1. Also called: SUCCINATE CoQ REDUCTASE DEFICIENCY. Identifiers: Orphanet 3208, MedGen C5700310, MONDO:0100294, OMIM 252011.
Pheochromocytoma/paraganglioma syndrome 5. Also called: Paragangliomas 5; SDHA-Related Hereditary Paraganglioma-Pheochromocytoma Syndrome. Identifiers: Orphanet 29072, MedGen C3279992, MONDO:0013602, OMIM 614165.

Submissions (2):

Ambry Genetics
Classification: Likely pathogenic for Hereditary cancer-predisposing syndrome. Last evaluated: 2025-12-22. Review status: criteria provided, single submitter. Criteria: Ambry Variant Classification Scheme 2023. Collection method: clinical testing. Allele origin: germline.
Comment: The p.G68R variant (also known as c.202G>C), located in coding exon 3 of the SDHA gene, results from a G to C substitution at nucleotide position 202. The glycine at codon 68 is replaced by arginine, an amino acid with dissimilar properties. This variant was reported in individual(s) with features consistent with SDHA-related hereditary pheochromocytoma-paraganglioma (Ambry internal data). Based on internal structural analysis, this variant is anticipated to result in a significant decrease in structural stability (Ambry internal data). This amino acid position is highly conserved in available vertebrate species. In addition, this alteration is predicted to be deleterious by in silico analysis. This variant is considered to be rare based on population cohorts in the Genome Aggregation Database (gnomAD). Based on the majority of available evidence to date, this variant is likely to be pathogenic.

Labcorp Genetics (formerly Invitae), Labcorp
Classification: Uncertain significance for Pheochromocytoma/paraganglioma syndrome 5; Mitochondrial complex II deficiency, nuclear type 1. Last evaluated: 2025-03-30. Review status: criteria provided, single submitter. Criteria: Invitae Variant Classification Sherloc (09022015). Collection method: clinical testing. Allele origin: germline.
Comment: This sequence change replaces glycine, which is neutral and non-polar, with arginine, which is basic and polar, at codon 68 of the SDHA protein (p.Gly68Arg). This variant is not present in population databases (gnomAD no frequency). This variant has not been reported in the literature in individuals affected with SDHA-related conditions. Invitae Evidence Modeling of protein sequence and biophysical properties (such as structural, functional, and spatial information, amino acid conservation, physicochemical variation, residue mobility, and thermodynamic stability) indicates that this missense variant is expected to disrupt SDHA protein function with a positive predictive value of 95%. In summary, the available evidence is currently insufficient to determine the role of this variant in disease. Therefore, it has been classified as a Variant of Uncertain Significance.

NM_004168.4(SDHA):c.202G>C (p.Gly68Arg)

Gene: SDHA (succinate dehydrogenase complex flavoprotein subunit A; plus strand). Cytogenetic location: 5p15.33.
Variant type: single nucleotide variant.
Coding change: c.202G>C on transcript NM_004168.4 (MANE Select); coding-DNA position 202, G replaced by C.
Protein change: p.Gly68Arg; replaces glycine 68 with arginine.
Molecular consequence: missense variant.
Genome position (GRCh38, 1-based): chr5:224,411, G>C. VCF-style: chr5-224411-G-C. GRCh37 (hg19) VCF-style: chr5-224526-G-C.
Other names: c.202G>C, p.Gly68Arg (NM_001294332.2, NM_001330758.2); short protein forms G68R.
Identifiers: ClinVar variation 4161183 (VCV004161183.3).